The following is an entry in ClinVar:

NM_000551.4(VHL):c.340+668A>G

Genes: VHL (von Hippel-Lindau tumor suppressor; plus strand), LOC107303340 (3p25 von Hippel-Lindau tumor suppressor, E3 ubiquitin protein ligase Alu-mediated recombination region; plus strand). Cytogenetic location: 3p25.3.
Variant type: single nucleotide variant.
Coding change: c.340+668A>G on transcript NM_000551.4 (MANE Select); 668 bases into the intron after coding-DNA position 340, A replaced by G.
Molecular consequence: intron variant. On other transcripts: missense variant (1).
Genome position (GRCh38, 1-based): chr3:10,142,855, A>G. VCF-style: chr3-10142855-A-G. GRCh37 (hg19) VCF-style: chr3-10184539-A-G.
Other names: c.433A>G, p.Thr145Ala (NM_001354723.2); c.340+668A>G (NM_198156.3); short protein forms T145A.
Identifiers: ClinVar variation 1492543 (VCV001492543.8), dbSNP rs2125125949, ClinGen allele CA2573136110.

ClinVar aggregate classification (germline): Uncertain significance (1 of 4 stars; one submission).

Conditions:
Von Hippel-Lindau syndrome (VHLS). Also called: Von Hippel-Lindau; von Hippel–Lindau syndrome; VHL syndrome. Identifiers: Orphanet 892, MedGen C0019562, MONDO:0008667, OMIM 193300. Disease mechanism: loss of function.
Chuvash polycythemia. Also called: POLYCYTHEMIA, VHL-DEPENDENT. Identifiers: Orphanet 238557, MedGen C1837915, MONDO:0009892, OMIM 263400.

Submission:

Labcorp Genetics (formerly Invitae), Labcorp
Classification: Uncertain significance for Von Hippel-Lindau syndrome; Chuvash polycythemia. Last evaluated: 2020-12-09. Review status: criteria provided, single submitter. Criteria: Invitae Variant Classification Sherloc (09022015). Collection method: clinical testing. Allele origin: germline.
Comment: The frequency data for this variant in the population databases is considered unreliable, as metrics indicate insufficient coverage at this position in the ExAC database. This variant has not been reported in the literature in individuals with VHL-related conditions. Experimental studies and prediction algorithms are not available or were not evaluated, and the functional significance of this variant is currently unknown. In summary, the available evidence is currently insufficient to determine the role of this variant in disease. Therefore, it has been classified as a Variant of Uncertain Significance. This sequence change falls in intron 1 of the VHL gene. It is not expected to change the encoded amino acid sequence of the VHL protein. However, this sequence change falls within a cryptic exon in the VHL gene, known as exon E1’, which is naturally expressed at low levels in several human tissues (PMID: 29891534).

Literature cited by the submitters: PubMed 29891534.